The following is an entry in ClinVar:

NM_001009999.3(KDM1A):c.620G>A (p.Arg207Gln)

Gene: KDM1A (lysine demethylase 1A; plus strand). Cytogenetic location: 1p36.12.
Variant type: single nucleotide variant.
Coding change: c.620G>A on transcript NM_001009999.3 (MANE Select); coding-DNA position 620, G replaced by A.
Protein change: p.Arg207Gln; replaces arginine 207 with glutamine.
Molecular consequence: missense variant.
Genome position (GRCh38, 1-based): chr1:23,050,429, G>A. VCF-style: chr1-23050429-G-A. GRCh37 (hg19) VCF-style: chr1-23376922-G-A.
Other names: c.560G>A, p.Arg187Gln (NM_001363654.2, NM_001410763.1, NM_015013.4); c.620G>A, p.Arg207Gln (NM_001410762.1); short protein forms R187Q, R207Q.
Identifiers: ClinVar variation 4858738 (VCV004858738.1).

ClinVar aggregate classification (germline): Uncertain significance (1 of 4 stars; one submission).

Conditions:
Inborn genetic diseases. Identifiers: MedGen C0950123, MeSH D030342.

gnomAD v4.1: 5 of 1,613,560 alleles (0.00031%); highest among the groups gnomAD compares: Non-Finnish European, 0.00034%; no homozygotes.

Submission:

Ambry Genetics
Classification: Uncertain significance for Inborn genetic diseases. Last evaluated: 2026-05-16. Review status: criteria provided, single submitter. Criteria: Ambry Variant Classification Scheme 2023. Collection method: clinical testing. Allele origin: germline.
Comment: The p.R207Q variant (also known as c.620G>A), located in coding exon 4 of the KDM1A gene, results from a G to A substitution at nucleotide position 620. The arginine at codon 207 is replaced by glutamine, an amino acid with highly similar properties. This amino acid position is conserved. In addition, the in silico prediction for this alteration is inconclusive. Based on the available evidence, the clinical significance of this variant remains unclear.